The following is an entry in ClinVar:

NM_058216.3(RAD51C):c.382G>C (p.Gly128Arg)

Gene: RAD51C (RAD51 paralog C; plus strand). Cytogenetic location: 17q22.
Variant type: single nucleotide variant.
Coding change: c.382G>C on transcript NM_058216.3 (MANE Select); coding-DNA position 382, G replaced by C.
Protein change: p.Gly128Arg; replaces glycine 128 with arginine.
Molecular consequence: missense variant. On other transcripts: non-coding transcript variant (2).
Genome position (GRCh38, 1-based): chr17:58,695,167, G>C. VCF-style: chr17-58695167-G-C. GRCh37 (hg19) VCF-style: chr17-56772528-G-C.
Other names: c.382G>C, p.Gly128Arg (NM_002876.4); short protein forms G128R.
Identifiers: ClinVar variation 246222 (VCV000246222.10), dbSNP rs879254160, ClinGen allele CA10584580.

ClinVar aggregate classification (germline): Uncertain significance. Review status: criteria provided, multiple submitters, no conflicts (2 of 4 stars). 3 submissions from 3 submitters: Uncertain significance (3). Last evaluated 2026-02-16.

Conditions:
Fanconi anemia complementation group O. Also called: RAD51C-Related Fanconi Anemia. Identifiers: Orphanet 84, MedGen C3150653, MONDO:0013248, OMIM 613390.
Hereditary cancer-predisposing syndrome. Also called: Tumor predisposition; Hereditary neoplastic syndrome; Hereditary Cancer Syndrome; Neoplastic Syndromes, Hereditary. Identifiers: Orphanet 140162, MedGen C0027672, MeSH D009386, MONDO:0015356.

Allele frequency attached by ClinVar (database versions not stated): gnomAD exomes below 0.00001.
gnomAD v4.1: 2 of 1,612,206 alleles (0.00012%); highest among the groups gnomAD compares: Middle Eastern, 0.017%; no homozygotes.

Submissions (3):

Ambry Genetics
Classification: Uncertain significance for Hereditary cancer-predisposing syndrome. Last evaluated: 2026-02-16. Review status: criteria provided, single submitter. Criteria: Ambry Variant Classification Scheme 2023. Collection method: clinical testing. Allele origin: germline.
Comment: The p.G128R variant (also known as c.382G>C), located in coding exon 2 of the RAD51C gene, results from a G to C substitution at nucleotide position 382. The glycine at codon 128 is replaced by arginine, an amino acid with dissimilar properties. This amino acid position is highly conserved in available vertebrate species. In addition, this alteration is predicted to be deleterious by in silico analysis. Based on the available evidence, the clinical significance of this variant remains unclear.

Labcorp Genetics (formerly Invitae), Labcorp
Classification: Uncertain significance for Fanconi anemia complementation group O. Last evaluated: 2025-06-24. Review status: criteria provided, single submitter. Criteria: Invitae Variant Classification Sherloc (09022015). Collection method: clinical testing. Allele origin: germline.
Comment: This sequence change replaces glycine, which is neutral and non-polar, with arginine, which is basic and polar, at codon 128 of the RAD51C protein (p.Gly128Arg). This variant is not present in population databases (gnomAD no frequency). This variant has not been reported in the literature in individuals affected with RAD51C-related conditions. ClinVar contains an entry for this variant (Variation ID: 246222). Invitae Evidence Modeling of protein sequence and biophysical properties (such as structural, functional, and spatial information, amino acid conservation, physicochemical variation, residue mobility, and thermodynamic stability) indicates that this missense variant is expected to disrupt RAD51C protein function with a positive predictive value of 80%. In summary, the available evidence is currently insufficient to determine the role of this variant in disease. Therefore, it has been classified as a Variant of Uncertain Significance.

GeneDx
Classification: Uncertain significance. Last evaluated: 2015-12-16. Review status: criteria provided, single submitter. Criteria: GeneDx Variant Classification (06012015). Collection method: clinical testing. Allele origin: germline. Affected: yes.
Comment: This variant is denoted RAD51C c.382G>C at the cDNA level, p.Gly128Arg (G128R) at the protein level, and results in the change of a Glycine to an Arginine (GGT>CGT). This variant has not, to our knowledge, been published in the literature as pathogenic or benign. RAD51C Gly128Arg was not observed in approximately 6,500 individuals of European and African American ancestry in the NHLBI Exome Sequencing Project, suggesting it is not a common benign variant in these populations. Since Glycine and Arginine differ in polarity, charge, size or other properties, this is considered a non-conservative amino acid substitution. RAD51C Gly128Arg occurs at a position that is conserved across species and is located in the ATP binding motif and region of interaction with RAD51B, RAD51D and XRCC3 (Miller 2004, Uniprot). In silico analyses are inconsistent regarding the effect this variant may have on protein structure and function. Based on currently available evidence, it is unclear whether RAD51C Gly128Arg is a pathogenic or benign variant. We consider it to be a variant of uncertain significance.